The following is an entry in ClinVar:

ClinVar aggregate classification (germline): Uncertain significance (1 of 4 stars; one submission).

Submission:

GeneDx
Classification: Uncertain significance. Last evaluated: 2023-12-01. Review status: criteria provided, single submitter. Criteria: GeneDx Variant Classification Process June 2021. Collection method: clinical testing. Allele origin: germline. Affected: yes.
Comment: Frameshift variant predicted to result in protein truncation or nonsense mediated decay in a gene or region of a gene for which loss of function is not a well-established mechanism of disease; Not observed at significant frequency in large population cohorts (gnomAD); Has not been previously published as pathogenic or benign to our knowledge

NM_000742.4(CHRNA2):c.194_195del (p.His65fs)

Gene: CHRNA2 (cholinergic receptor nicotinic alpha 2 subunit; minus strand). Cytogenetic location: 8p21.2.
Variant type: Microsatellite.
Coding change: c.194_195del on transcript NM_000742.4 (MANE Select); coding-DNA positions 194 to 195, 2 bases deleted (AC; older notation c.194_195delAC).
Protein change: p.His65fs; shifts the reading frame from histidine 65.
Molecular consequence: frameshift variant. On other transcripts: 5 prime UTR variant (4).
Genome position (GRCh38, 1-based): chr8:27,469,860-27,469,861, GT deleted on the plus strand (AC on the coding strand, the reverse complement: CHRNA2 is on the minus strand); deleting any 2 consecutive bases within chr8:27,469,860-27,469,863 gives the same sequence; the c. name uses the placement nearest the transcript's 3' end. VCF-style (leftmost placement, unchanged base first): chr8-27469859-GGT-G. GRCh37 (hg19) VCF-style: chr8-27327376-GGT-G.
Other names: c.194_195del, p.His65fs (NM_001282455.2); c.-236AC[1] (NM_001347705.2); c.-281AC[1] (NM_001347706.2); c.-222AC[1] (NM_001347707.2); c.-270AC[1] (NM_001347708.2); short protein forms H65fs.
Identifiers: ClinVar variation 3365196 (VCV003365196.1).
Genomic context (GRCh38, chr8:27,469,859, plus strand): 5'-CAATCACCACGTCTGAAGTGTTGGGCACCGGGCGCGCCCAGCGGTTGTAGCCCCGGAAGA[GGT>G]GTTTGAAGAGCCGGTCCTCAGTCTCGGTATGCGAGCCTCCCTGCGGCAATGCCGTGGGAC-3'